The following is an entry in ClinVar:

ClinVar aggregate classification (germline): Uncertain significance (1 of 4 stars; one submission).

Submission:

Ambry Genetics
Classification: Uncertain significance. Last evaluated: 2021-09-08. Review status: criteria provided, single submitter. Criteria: Ambry Variant Classification Scheme 2023. Collection method: clinical testing. Allele origin: germline.
Comment: The p.E640V variant (also known as c.1919A>T), located in coding exon 18 of the PRKDC gene, results from an A to T substitution at nucleotide position 1919. The glutamic acid at codon 640 is replaced by valine, an amino acid with dissimilar properties. This amino acid position is conserved. In addition, this alteration is predicted to be tolerated by in silico analysis. Since supporting evidence is limited at this time, the clinical significance of this alteration remains unclear.

NM_006904.7(PRKDC):c.1919A>T (p.Glu640Val)

Gene: PRKDC (protein kinase, DNA-activated, catalytic subunit; minus strand). Cytogenetic location: 8q11.21.
Variant type: single nucleotide variant.
Coding change: c.1919A>T on transcript NM_006904.7 (MANE Select); coding-DNA position 1919, A replaced by T.
Protein change: p.Glu640Val; replaces glutamic acid 640 with valine.
Molecular consequence: missense variant.
Genome position (GRCh38, 1-based): chr8:47,929,986, T>A on the plus strand (A>T on the coding strand, the complement: PRKDC is on the minus strand). VCF-style: chr8-47929986-T-A. GRCh37 (hg19) VCF-style: chr8-48842546-T-A.
Other names: c.1919A>T, p.Glu640Val (NM_001081640.2); short protein forms E640V.
Identifiers: ClinVar variation 1782614 (VCV001782614.2), dbSNP rs773169334, ClinGen allele CA371164394.
Genomic context (GRCh38, chr8:47,929,986, plus strand): 5'-AACCTTGTAGATTGCAAAATTAATTCATATGAAAATGAGTACACCCATGGTTCAAAAAAT[T>A]CTGCTTGTTTCTCAGGGAGAATCTCTCTGTAAAAACAAATTAGAAATTGAAGGTAGAAAT-3'
Protein context (NP_008835.5, residues 630-650): CREILPEKQA[Glu640Val]FFEPWVYSFS